The following is an entry in ClinVar:

ClinVar aggregate classification (germline): Pathogenic (1 of 4 stars; one submission).

Submission:

Labcorp Genetics (formerly Invitae), Labcorp
Classification: Pathogenic. Last evaluated: 2021-05-05. Review status: criteria provided, single submitter. Criteria: Invitae Variant Classification Sherloc (09022015). Collection method: clinical testing. Allele origin: germline.
Comment: For these reasons, this variant has been classified as Pathogenic. Loss-of-function variants in FRAS1 are known to be pathogenic (PMID: 12766769, 18671281). This variant has not been reported in the literature in individuals with FRAS1-related disease. This variant is an out-of-frame deletion of the genomic region encompassing exons 61-70 of the FRAS1 gene. This is expected to create a premature translational stop signal and result in an absent or disrupted protein product.

Literature cited by the submitters: PubMed 12766769; PubMed 18671281.

NC_000004.12:g.(?_78499721)_(78526657_?)del

Genes: FRAS1 (Fraser extracellular matrix complex subunit 1; plus strand), LOC123477768 (Sharpr-MPRA regulatory region 1185; plus strand). Cytogenetic location: 4q21.21.
Variant type: Deletion.
Identifiers: ClinVar variation 662841 (VCV000662841.3).